The following is an entry in ClinVar:

ClinVar aggregate classification (germline): Uncertain significance. Review status: criteria provided, multiple submitters, no conflicts (2 of 4 stars). 2 submissions from 2 submitters: Uncertain significance (2). Last evaluated 2025-08-01.

Allele frequency attached by ClinVar (database versions not stated): ExAC 0.00003; TOPMed 0.00003; gnomAD 0.00004.
gnomAD v4.1: 60 of 1,613,956 alleles (0.0037%); highest among the groups gnomAD compares: Non-Finnish European, 0.0049%; no homozygotes.

Submissions (2):

Ambry Genetics
Classification: Uncertain significance. Last evaluated: 2025-08-01. Review status: criteria provided, single submitter. Criteria: Ambry Variant Classification Scheme 2023. Collection method: clinical testing. Allele origin: germline.

Labcorp Genetics (formerly Invitae), Labcorp
Classification: Uncertain significance. Last evaluated: 2024-09-05. Review status: criteria provided, single submitter. Criteria: Invitae Variant Classification Sherloc (09022015). Collection method: clinical testing. Allele origin: germline.
Comment: This sequence change replaces valine, which is neutral and non-polar, with isoleucine, which is neutral and non-polar, at codon 221 of the TM4SF20 protein (p.Val221Ile). This variant is present in population databases (rs769987924, gnomAD 0.006%). This variant has not been reported in the literature in individuals affected with TM4SF20-related conditions. ClinVar contains an entry for this variant (Variation ID: 2167585). An algorithm developed to predict the effect of missense changes on protein structure and function (PolyPhen-2) suggests that this variant is likely to be disruptive. In summary, the available evidence is currently insufficient to determine the role of this variant in disease. Therefore, it has been classified as a Variant of Uncertain Significance.

NM_024795.4(TM4SF20):c.661G>A (p.Val221Ile)

Gene: TM4SF20 (transmembrane 4 L six family member 20; minus strand). Cytogenetic location: 2q36.3.
Variant type: single nucleotide variant.
Coding change: c.661G>A on transcript NM_024795.4 (MANE Select); coding-DNA position 661, G replaced by A.
Protein change: p.Val221Ile; replaces valine 221 with isoleucine.
Molecular consequence: missense variant.
Genome position (GRCh38, 1-based): chr2:227,363,753, C>T on the plus strand (G>A on the coding strand, the complement: TM4SF20 is on the minus strand). VCF-style: chr2-227363753-C-T. GRCh37 (hg19) VCF-style: chr2-228228469-C-T.
Other names: c.661G>A (NM_024795.3); short protein forms V221I.
Identifiers: ClinVar variation 2167585 (VCV002167585.6), dbSNP rs769987924, ClinGen allele CA2148136.